The following is an entry in ClinVar:

ClinVar aggregate classification (germline): Benign/Likely benign. Review status: criteria provided, multiple submitters, no conflicts (2 of 4 stars). 5 submissions from 5 submitters: Benign (2); Likely benign (3). Last evaluated 2026-01-25.

Conditions:
TSC2-related disorder. Also called: TSC2-related condition; TSC2-Related Disorders.
Hereditary cancer-predisposing syndrome. Also called: Neoplastic Syndromes, Hereditary; Hereditary neoplastic syndrome; Hereditary Cancer Syndrome; Tumor predisposition. Identifiers: Orphanet 140162, MedGen C0027672, MeSH D009386, MONDO:0015356.
Tuberous sclerosis 2 (TSC2). Identifiers: Orphanet 805, MedGen C1860707, MONDO:0013199, OMIM 613254.

Allele frequency attached by ClinVar (database versions not stated): TOPMed 0.00001.
gnomAD v4.1: 20 of 1,611,770 alleles (0.0012%); highest among the groups gnomAD compares: African/African-American, 0.0027%; no homozygotes.

Submissions (5):

Labcorp Genetics (formerly Invitae), Labcorp
Classification: Likely benign for Tuberous sclerosis 2. Last evaluated: 2026-01-25. Review status: criteria provided, single submitter. Criteria: Invitae Variant Classification Sherloc (09022015). Collection method: clinical testing. Allele origin: germline.

PreventionGenetics, part of Exact Sciences
Classification: Likely benign for TSC2-related condition. Last evaluated: 2025-05-28. Review status: criteria provided, single submitter. Criteria: ACMG Guidelines, 2015. Collection method: clinical testing. Allele origin: germline.
Comment: This variant is classified as likely benign based on ACMG/AMP sequence variant interpretation guidelines (Richards et al. 2015 PMID: 25741868, with internal and published modifications).

Myriad Genetics, Inc.
Classification: Benign for Tuberous sclerosis 2. Last evaluated: 2025-05-20. Review status: criteria provided, single submitter. Criteria: Myriad Autosomal Dominant, Autosomal Recessive and X-Linked Classification Criteria (2023). Collection method: clinical testing. Allele origin: unknown.
Comment: This variant is considered benign. This variant is a silent/synonymous amino acid change and it is not expected to impact splicing.

Genome-Nilou Lab
Classification: Benign for Tuberous sclerosis 2. Last evaluated: 2021-11-07. Review status: criteria provided, single submitter. Criteria: ACMG Guidelines, 2015. Collection method: clinical testing. Allele origin: germline. Affected: no.

Ambry Genetics
Classification: Likely benign for Hereditary cancer-predisposing syndrome. Last evaluated: 2017-11-06. Review status: criteria provided, single submitter. Criteria: Ambry Variant Classification Scheme 2023. Collection method: clinical testing. Allele origin: germline.

NM_000548.5(TSC2):c.2520C>G (p.Ala840=)

Gene: TSC2 (TSC complex subunit 2; plus strand). Cytogenetic location: 16p13.3.
Variant type: single nucleotide variant.
Coding change: c.2520C>G on transcript NM_000548.5 (MANE Select); coding-DNA position 2520, C replaced by G.
Protein change: p.Ala840=; no amino-acid change (alanine 840 retained).
Molecular consequence: synonymous variant.
Genome position (GRCh38, 1-based): chr16:2,074,364, C>G. VCF-style: chr16-2074364-C-G. GRCh37 (hg19) VCF-style: chr16-2124365-C-G.
Other names: c.2520C>G (NM_000548.4); c.2520C>G, p.Ala840= (NM_001077183.3, NM_001114382.3, NM_001363528.2 and 3 more transcripts); c.2409C>G, p.Ala803= (NM_001318827.2); c.2373C>G, p.Ala791= (NM_001318829.2); c.1920C>G, p.Ala640= (NM_001318831.2); c.2553C>G, p.Ala851= (NM_001318832.2).
Identifiers: ClinVar variation 237992 (VCV000237992.20), dbSNP rs147683438, ClinGen allele CA10583309.